The following is an entry in ClinVar:

NM_001374828.1(ARID1B):c.1687G>C (p.Gly563Arg)

Gene: ARID1B (AT-rich interaction domain 1B; plus strand). Cytogenetic location: 6q25.3.
Variant type: single nucleotide variant.
Coding change: c.1687G>C on transcript NM_001374828.1 (MANE Select); coding-DNA position 1687, G replaced by C.
Protein change: p.Gly563Arg; replaces glycine 563 with arginine.
Molecular consequence: missense variant.
Genome position (GRCh38, 1-based): chr6:156,779,367, G>C. VCF-style: chr6-156779367-G-C. GRCh37 (hg19) VCF-style: chr6-157100501-G-C.
Other names: c.1438G>C, p.Gly480Arg (NM_001346813.1, NM_020732.3); c.1687G>C, p.Gly563Arg (NM_001371656.1, NM_001374820.1, NM_017519.3); c.1264G>C, p.Gly422Arg (NM_175863.2); short protein forms G422R, G480R, G563R.
Identifiers: ClinVar variation 1720210 (VCV001720210.5), dbSNP rs2115003753, ClinGen allele CA366385407.

ClinVar aggregate classification (germline): Uncertain significance (1 of 4 stars; one submission).

Submission:

Labcorp Genetics (formerly Invitae), Labcorp
Classification: Uncertain significance. Last evaluated: 2022-10-19. Review status: criteria provided, single submitter. Criteria: Invitae Variant Classification Sherloc (09022015). Collection method: clinical testing. Allele origin: germline.
Comment: This sequence change replaces glycine, which is neutral and non-polar, with arginine, which is basic and polar, at codon 480 of the ARID1B protein (p.Gly480Arg). The frequency data for this variant in the population databases is considered unreliable, as metrics indicate insufficient coverage at this position in the gnomAD database. This variant has not been reported in the literature in individuals affected with ARID1B-related conditions. Algorithms developed to predict the effect of missense changes on protein structure and function (SIFT, PolyPhen-2, Align-GVGD) all suggest that this variant is likely to be tolerated. In summary, the available evidence is currently insufficient to determine the role of this variant in disease. Therefore, it has been classified as a Variant of Uncertain Significance.